The following is an entry in ClinVar:

ClinVar aggregate classification (germline): Uncertain significance (1 of 4 stars; one submission).

Conditions:
Emery-Dreifuss muscular dystrophy 4, autosomal dominant (EDMD4). Also called: EMERY-DREIFUSS MUSCULAR DYSTROPHY 4 WITH VARIABLE FEATURES. Identifiers: Orphanet 261, MedGen C2751807, MONDO:0013071, OMIM 612998.
Autosomal recessive ataxia, Beauce type. Also called: Spinocerebellar ataxia, autosomal recessive 8; ATAXIA, RECESSIVE, OF BEAUCE; SYNE1 Deficiency; SYNE1-Related Autosomal Recessive Cerebellar Ataxia. Identifiers: Orphanet 88644, MedGen C1853116, MONDO:0012549, OMIM 610743.

Allele frequency attached by ClinVar (database versions not stated): TOPMed below 0.00001.
gnomAD v4.1: 15 of 1,614,206 alleles (0.00093%); highest among the groups gnomAD compares: East Asian, 0.0067%; no homozygotes.

Submission:

Labcorp Genetics (formerly Invitae), Labcorp
Classification: Uncertain significance for Emery-Dreifuss muscular dystrophy 4, autosomal dominant; Autosomal recessive ataxia, Beauce type. Last evaluated: 2022-07-11. Review status: criteria provided, single submitter. Criteria: Invitae Variant Classification Sherloc (09022015). Collection method: clinical testing. Allele origin: germline.
Comment: This sequence change replaces glycine, which is neutral and non-polar, with arginine, which is basic and polar, at codon 3437 of the SYNE1 protein (p.Gly3437Arg). This variant is not present in population databases (gnomAD no frequency). This variant has not been reported in the literature in individuals affected with SYNE1-related conditions. ClinVar contains an entry for this variant (Variation ID: 1428911). Algorithms developed to predict the effect of missense changes on protein structure and function are either unavailable or do not agree on the potential impact of this missense change (SIFT: "Deleterious"; PolyPhen-2: "Benign"; Align-GVGD: "Class C25"). In summary, the available evidence is currently insufficient to determine the role of this variant in disease. Therefore, it has been classified as a Variant of Uncertain Significance.

NM_182961.4(SYNE1):c.10288G>A (p.Gly3430Arg)

Gene: SYNE1 (spectrin repeat containing nuclear envelope protein 1; minus strand). Cytogenetic location: 6q25.2.
Variant type: single nucleotide variant.
Coding change: c.10288G>A on transcript NM_182961.4 (MANE Select); coding-DNA position 10288, G replaced by A.
Protein change: p.Gly3430Arg; replaces glycine 3430 with arginine.
Molecular consequence: missense variant.
Genome position (GRCh38, 1-based): chr6:152,362,181, C>T on the plus strand (G>A on the coding strand, the complement: SYNE1 is on the minus strand). VCF-style: chr6-152362181-C-T. GRCh37 (hg19) VCF-style: chr6-152683316-C-T.
Other names: c.10309G>A, p.Gly3437Arg (NM_033071.5); short protein forms G3430R, G3437R.
Identifiers: ClinVar variation 1428911 (VCV001428911.7), dbSNP rs1047722501, ClinGen allele CA150210172.